The following is an entry in ClinVar:

ClinVar aggregate classification (germline): Uncertain significance. Review status: criteria provided, multiple submitters, no conflicts (2 of 4 stars). 3 submissions from 3 submitters: Uncertain significance (3). Last evaluated 2026-01-05.

Conditions:
Deficiency of 2-methylbutyryl-CoA dehydrogenase (ACADSB). Also called: 2-methylbutyryl-CoA dehydrogenase deficiency; SBCAD deficiency; 2-methylbutyric aciduria; Short branched-chain acyl-CoA dehydrogenase deficiency; 2-methylbutyrylglycinuria. Identifiers: Orphanet 79157, MedGen C1864912, MONDO:0012392, OMIM 610006, HP:0020147.

Allele frequency attached by ClinVar (database versions not stated): TOPMed below 0.00001; gnomAD 0.00001; gnomAD exomes 0.00001 and 0.00002; ExAC 0.00002.
gnomAD v4.1: 18 of 1,613,992 alleles (0.0011%); highest among the groups gnomAD compares: Admixed American, 0.0017%; no homozygotes.

Submissions (3):

Labcorp Genetics (formerly Invitae), Labcorp
Classification: Uncertain significance for Deficiency of 2-methylbutyryl-CoA dehydrogenase. Last evaluated: 2026-01-05. Review status: criteria provided, single submitter. Criteria: Invitae Variant Classification Sherloc (09022015). Collection method: clinical testing. Allele origin: germline.
Comment: This sequence change replaces isoleucine, which is neutral and non-polar, with threonine, which is neutral and polar, at codon 424 of the ACADSB protein (p.Ile424Thr). This variant is present in population databases (rs748926593, gnomAD 0.007%). This missense change has been observed in individual(s) with clinical features of ACADSB-related conditions (internal data). ClinVar contains an entry for this variant (Variation ID: 299091). An algorithm developed to predict the effect of missense changes on protein structure and function outputs the following: PolyPhen-2: "Probably Damaging". The threonine amino acid residue is found in multiple mammalian species, which suggests that this missense change does not adversely affect protein function. In summary, the available evidence is currently insufficient to determine the role of this variant in disease. Therefore, it has been classified as a Variant of Uncertain Significance.

Revvity Omics, Revvity
Classification: Uncertain significance for Deficiency of 2-methylbutyryl-CoA dehydrogenase. Last evaluated: 2023-02-20. Review status: criteria provided, single submitter. Criteria: ACMG Guidelines, 2015. Collection method: clinical testing. Allele origin: germline.

Illumina Laboratory Services, Illumina
Classification: Uncertain significance for Deficiency of 2-methylbutyryl-CoA dehydrogenase. Last evaluated: 2018-01-13. Review status: criteria provided, single submitter. Criteria: ICSL Variant Classification Criteria 13 December 2019. Collection method: clinical testing. Allele origin: germline.

NM_001609.4(ACADSB):c.1271T>C (p.Ile424Thr)

Gene: ACADSB (acyl-CoA dehydrogenase short/branched chain; plus strand). Cytogenetic location: 10q26.13.
Variant type: single nucleotide variant.
Coding change: c.1271T>C on transcript NM_001609.4 (MANE Select); coding-DNA position 1271, T replaced by C.
Protein change: p.Ile424Thr; replaces isoleucine 424 with threonine.
Molecular consequence: missense variant.
Genome position (GRCh38, 1-based): chr10:123,053,737, T>C. VCF-style: chr10-123053737-T-C. GRCh37 (hg19) VCF-style: chr10-124813253-T-C.
Other names: c.965T>C, p.Ile322Thr (NM_001330174.3); short protein forms I424T, I322T.
Identifiers: ClinVar variation 299091 (VCV000299091.13), dbSNP rs748926593, ClinGen allele CA5730986.